The following is an entry in ClinVar:

NM_001114753.3(ENG):c.817-3T>C

Gene: ENG (endoglin; minus strand). Cytogenetic location: 9q34.11.
Variant type: single nucleotide variant.
Coding change: c.817-3T>C on transcript NM_001114753.3 (MANE Select); 3 bases into the intron before coding-DNA position 817, T replaced by C.
Molecular consequence: intron variant.
Genome position (GRCh38, 1-based): chr9:127,824,977, A>G on the plus strand (T>C on the coding strand, the complement: ENG is on the minus strand). VCF-style: chr9-127824977-A-G. GRCh37 (hg19) VCF-style: chr9-130587256-A-G.
Other names: c.817-3T>C (NM_000118.4, NM_001406715.1); c.271-3T>C (NM_001278138.2).
Identifiers: ClinVar variation 2916334 (VCV002916334.3), dbSNP rs2539073351, ClinGen allele CA2691808950.

ClinVar aggregate classification (germline): Uncertain significance (1 of 4 stars; one submission).

Conditions:
Hereditary hemorrhagic telangiectasia (HHT). Also called: ORW DISEASE; Osler Weber Rendu syndrome; OSLER-RENDU-WEBER DISEASE; Osler hemorrhagic telangiectasia syndrome. Identifiers: Orphanet 774, MedGen C0039445, MONDO:0019180. Disease mechanism: loss of function.

Allele frequency attached by ClinVar (database versions not stated): gnomAD exomes 0.00001.
gnomAD v4.1: 7 of 1,612,338 alleles (0.00043%); highest among the groups gnomAD compares: Non-Finnish European, 0.00059%; no homozygotes.

Submission:

Labcorp Genetics (formerly Invitae), Labcorp
Classification: Uncertain significance for Hereditary hemorrhagic telangiectasia. Last evaluated: 2023-01-30. Review status: criteria provided, single submitter. Criteria: Invitae Variant Classification Sherloc (09022015). Collection method: clinical testing. Allele origin: germline.
Comment: In summary, the available evidence is currently insufficient to determine the role of this variant in disease. Therefore, it has been classified as a Variant of Uncertain Significance. This variant disrupts the c.817-3T nucleotide in the ENG gene. Other variant(s) that disrupt this nucleotide have been determined to be pathogenic (PMID: 23046070). This suggests that this nucleotide is clinically significant, and that variants that disrupt this position are likely to be disease-causing. Variants that disrupt the consensus splice site are a relatively common cause of aberrant splicing (PMID: 17576681, 9536098). Algorithms developed to predict the effect of sequence changes on RNA splicing suggest that this variant is not likely to affect RNA splicing. This variant has not been reported in the literature in individuals affected with ENG-related conditions. This variant is not present in population databases (gnomAD no frequency). This sequence change falls in intron 6 of the ENG gene. It does not directly change the encoded amino acid sequence of the ENG protein. It affects a nucleotide within the consensus splice site.

Literature cited by the submitters: PubMed 23046070; PubMed 17576681; PubMed 9536098.